The following is an entry in ClinVar:

ClinVar aggregate classification (germline): Likely pathogenic (1 of 4 stars; one submission).

Submission:

GeneDx
Classification: Likely pathogenic. Last evaluated: 2023-01-20. Review status: criteria provided, single submitter. Criteria: GeneDx Variant Classification Process June 2021. Collection method: clinical testing. Allele origin: germline. Affected: yes.
Comment: Reported in at least one individual with peripartum cardiomyopathy (Ware et al., 2016; Goli et al., 2021); also described as 179436455 TA>T; Frameshift variant predicted to result in protein truncation or nonsense mediated decay in a gene for which loss of function is a known mechanism of disease; Located in the A-band region of TTN in which the majority of loss of function variants have been associated with autosomal dominant titinopathies (Herman et al., 2012); Not observed at significant frequency in large population cohorts (gnomAD); This variant is associated with the following publications: (PMID: 22335739, 33874732, 26735901)

NM_001267550.2(TTN):c.74403del (p.Asn24802fs)

Genes: TTN (titin; minus strand), TTN-AS1 (TTN antisense RNA 1; plus strand). Cytogenetic location: 2q31.2.
Variant type: Deletion.
Coding change: c.74403del on transcript NM_001267550.2 (MANE Select); coding-DNA position 74403, one base deleted (T; older notation c.74403delT).
Protein change: p.Asn24802fs; shifts the reading frame from asparagine 24802.
Molecular consequence: frameshift variant.
Genome position (GRCh38, 1-based): chr2:178,571,729, A deleted on the plus strand (T on the coding strand, the reverse complement: TTN is on the minus strand); the first of 2 consecutive A bases (chr2:178,571,729-178,571,730); deleting either gives the same sequence. VCF-style (leftmost placement, unchanged base first): chr2-178571728-TA-T. GRCh37 (hg19) VCF-style: chr2-179436455-TA-T.
Other names: c.69480del, p.Asn23161fs (NM_001256850.1); c.74402delT, p.Asn24802Metfs (NM_001267550.1); c.47208del, p.Asn15737fs (NM_003319.4); c.66699del, p.Asn22234fs (NM_133378.4); c.47583del, p.Asn15862fs (NM_133432.3); c.47784del, p.Asn15929fs (NM_133437.4); short protein forms N15737fs, N15862fs, N15929fs, N22234fs, N23161fs, N24802fs.
Identifiers: ClinVar variation 2573664 (VCV002573664.1), dbSNP rs2468506181, ClinGen allele CA2577198680.
Genomic context (GRCh38, chr2:178,571,728, plus strand): 5'-TCACTTCATCCATTTTAACTGGTCCAGTTGGAGGCCCTGGTTTGTCAAGAACGATAACAT[TA>T]AGGGTTTCAATAGCTTCACCAGCTGAGTTAGTCAGTTTAACCACATAATGGCCAACATCT-3'